The following is an entry in ClinVar:

NM_012199.5(AGO1):c.1073A>C (p.Gln358Pro)

Gene: AGO1 (argonaute RISC component 1; plus strand). Cytogenetic location: 1p34.3.
Variant type: single nucleotide variant.
Coding change: c.1073A>C on transcript NM_012199.5 (MANE Select); coding-DNA position 1073, A replaced by C.
Protein change: p.Gln358Pro; replaces glutamine 358 with proline.
Molecular consequence: missense variant.
Genome position (GRCh38, 1-based): chr1:35,901,526, A>C. VCF-style: chr1-35901526-A-C. GRCh37 (hg19) VCF-style: chr1-36367127-A-C.
Other names: c.1073A>C, p.Gln358Pro (NM_001317122.2); c.848A>C, p.Gln283Pro (NM_001317123.2); short protein forms Q283P, Q358P.
Identifiers: ClinVar variation 4734947 (VCV004734947.1).

ClinVar aggregate classification (germline): Uncertain significance (1 of 4 stars; one submission).

Submission:

Labcorp Genetics (formerly Invitae), Labcorp
Classification: Uncertain significance. Last evaluated: 2026-01-09. Review status: criteria provided, single submitter. Criteria: Invitae Variant Classification Sherloc (09022015). Collection method: clinical testing. Allele origin: germline.
Comment: This sequence change replaces glutamine, which is neutral and polar, with proline, which is neutral and non-polar, at codon 358 of the AGO1 protein (p.Gln358Pro). This variant is not present in population databases (gnomAD no frequency). This variant has not been reported in the literature in individuals affected with AGO1-related conditions. An algorithm developed to predict the effect of missense changes on protein structure and function (PolyPhen-2) suggests that this variant is likely to be disruptive. In summary, the available evidence is currently insufficient to determine the role of this variant in disease. Therefore, it has been classified as a Variant of Uncertain Significance.